The following is an entry in ClinVar:

NM_016642.4(SPTBN5):c.4618_4619del (p.Met1540fs)

Gene: SPTBN5 (spectrin beta, non-erythrocytic 5; minus strand). Cytogenetic location: 15q15.1.
Variant type: Deletion.
Coding change: c.4618_4619del on transcript NM_016642.4 (MANE Select); coding-DNA positions 4618 to 4619, 2 bases deleted (AT; older notation c.4618_4619delAT).
Protein change: p.Met1540fs; shifts the reading frame from methionine 1540.
Molecular consequence: frameshift variant.
Genome position (GRCh38, 1-based): chr15:41,874,362-41,874,363, AT deleted on the plus strand (AT on the coding strand, the reverse complement: SPTBN5 is on the minus strand). VCF-style (leftmost placement, unchanged base first): chr15-41874361-CAT-C. GRCh37 (hg19) VCF-style: chr15-42166559-CAT-C.
Other names: short protein forms M1540fs.
Identifiers: ClinVar variation 2692573 (VCV002692573.1), dbSNP rs144314088, ClinGen allele CA7503203.
Genomic context (GRCh38, chr15:41,874,361, plus strand): 5'-GCGGTGAAGGCTCTGGGCACCATTCAAGCACTCGGTATAGCTGGTGGGGCTGCCATGGGG[CAT>C]GTGCTCGGCTACCCAAGAGAGCTCCATGTTGCTCAGGTGGCAGAACTGGTGCAGCTCCAC-3'

ClinVar aggregate classification (germline): Uncertain significance (1 of 4 stars; one submission).

Allele frequency attached by ClinVar (database versions not stated): gnomAD exomes 0.00017; ExAC 0.00056; 1000 Genomes Project 30x 0.00125; 1000 Genomes Project 0.00140; gnomAD 0.00175; TOPMed 0.00195; ESP Exome Variant Server 0.00235.

Submission:

Greenwood Genetic Center Diagnostic Laboratories, Greenwood Genetic Center
Classification: Uncertain significance. Last evaluated: 2023-10-25. Review status: criteria provided, single submitter. Criteria: ACMG Guidelines, 2015. Collection method: clinical testing. Allele origin: germline. Affected: yes.
Comment: Gene of Uncertain Significance